The following is an entry in ClinVar:

ClinVar aggregate classification (germline): not provided (0 of 4 stars; one submission).

Conditions:
Familial long QT syndrome (RWS). Also called: Congenital long QT syndrome; Romano-Ward syndrome; VENTRICULAR FIBRILLATION WITH PROLONGED QT INTERVAL. Identifiers: Orphanet 768, MedGen C1141890, MONDO:0019171.

Allele frequency attached by ClinVar (database versions not stated): gnomAD exomes below 0.00001.
gnomAD v4.1: 1 of 1,614,200 alleles (0.000062%); no homozygotes.

Submission:

Cardiovascular Biomedical Research Unit, Royal Brompton & Harefield NHS Foundation Trust
No classification provided. Condition: Familial long QT syndrome. Review status: no classification provided. Collection method: literature only. Allele origin: germline.
Comment: This variant has been reported as associated with Long QT syndrome in the following publications (PMID:19716085). This is a literature report, and does not necessarily reflect the clinical interpretation of the Imperial College / Royal Brompton Cardiovascular Genetics laboratory.

Literature cited by the submitters: PubMed 19716085; PubMed 22581653.

NM_000238.4(KCNH2):c.1914G>T (p.Lys638Asn)

Gene: KCNH2 (potassium voltage-gated channel subfamily H member 2; minus strand). Cytogenetic location: 7q36.1.
Variant type: single nucleotide variant.
Coding change: c.1914G>T on transcript NM_000238.4 (MANE Select); coding-DNA position 1914, G replaced by T.
Protein change: p.Lys638Asn; replaces lysine 638 with asparagine.
Molecular consequence: missense variant.
Genome position (GRCh38, 1-based): chr7:150,951,479, C>A on the plus strand (G>T on the coding strand, the complement: KCNH2 is on the minus strand). VCF-style: chr7-150951479-C-A. GRCh37 (hg19) VCF-style: chr7-150648567-C-A.
Other names: c.1914G>T (LRG_288t1); c.894G>T, p.Lys298Asn (NM_001204798.2, NM_172057.3); c.1626G>T, p.Lys542Asn (NM_001406753.1, NM_001406756.1); c.1737G>T, p.Lys579Asn (NM_001406755.1); c.1614G>T, p.Lys538Asn (NM_001406757.1); c.1914G>T, p.Lys638Asn (NM_172056.3); short protein forms K298N, K638N, K579N, K538N, K542N.
Identifiers: ClinVar variation 67333 (VCV000067333.3), dbSNP rs199472969, ClinGen allele CA005998.